The following is an entry in ClinVar:

Conditions:
Long QT syndrome 5 (LQT5). Identifiers: Orphanet 101016, Orphanet 768, MedGen C1867904, MONDO:0013372, OMIM 613695.

Submission:

Roden Lab, Vanderbilt University Medical Center
No classification provided (evidence only). Condition: Long QT syndrome 5. Review status: no classification provided. Collection method: in vitro. Allele origin: not applicable. Functional consequence: Effect on ion channel function.
ClinVar note: "not provided" was previously submitted as the classification for the variant. However, the classification appeared to be based only on an observation of functional data so it was converted to no classification on 2025-07-30.

NM_000219.6(KCNE1):c.240C>A (p.Val80=)

Gene: KCNE1 (potassium voltage-gated channel subfamily E regulatory subunit 1; minus strand). Cytogenetic location: 21q22.12.
Variant type: single nucleotide variant.
Coding change: c.240C>A on transcript NM_000219.6 (MANE Select); coding-DNA position 240, C replaced by A.
Protein change: p.Val80=; no amino-acid change (valine 80 retained).
Molecular consequence: synonymous variant.
Genome position (GRCh38, 1-based): chr21:34,449,395, G>T on the plus strand (C>A on the coding strand, the complement: KCNE1 is on the minus strand). VCF-style: chr21-34449395-G-T. GRCh37 (hg19) VCF-style: chr21-35821693-G-T.
Other names: c.240C>A, p.Val80= (NM_001127668.4, NM_001127669.4, NM_001127670.4 and 4 more transcripts).
Identifiers: ClinVar variation 3374412 (VCV003374412.2).